The following is an entry in ClinVar:

ClinVar aggregate classification (germline): Uncertain significance (1 of 4 stars; one submission).

Conditions:
Hypertrophic cardiomyopathy. Also called: HYPERTROPHIC MYOCARDIOPATHY. Identifiers: Orphanet 217569, MedGen C0007194, MeSH D002312, MONDO:0005045, HP:0001639.

Allele frequency attached by ClinVar (database versions not stated): ExAC 0.00001; gnomAD exomes 0.00001.
gnomAD v4.1: 4 of 1,614,096 alleles (0.00025%); highest among the groups gnomAD compares: South Asian, 0.0044%; no homozygotes.

Submission:

Labcorp Genetics (formerly Invitae), Labcorp
Classification: Uncertain significance for Hypertrophic cardiomyopathy. Last evaluated: 2025-02-05. Review status: criteria provided, single submitter. Criteria: Invitae Variant Classification Sherloc (09022015). Collection method: clinical testing. Allele origin: germline.
Comment: This sequence change replaces glutamic acid, which is acidic and polar, with aspartic acid, which is acidic and polar, at codon 187 of the TNNI3 protein (p.Glu187Asp). This variant is present in population databases (rs773184959, gnomAD 0.006%). This missense change has been observed in individual(s) with hypertrophic cardiomyopathy (PMID: 37652022). ClinVar contains an entry for this variant (Variation ID: 454411). An algorithm developed specifically for the TNNI3 gene suggests that this missense change is likely to be tolerated (PMID: 21310275). In summary, the available evidence is currently insufficient to determine the role of this variant in disease. Therefore, it has been classified as a Variant of Uncertain Significance.

Literature cited by the submitters: PubMed 37652022; PubMed 21310275.

NM_000363.5(TNNI3):c.561G>T (p.Glu187Asp)

Gene: TNNI3 (troponin I3, cardiac type; minus strand). Cytogenetic location: 19q13.42.
Variant type: single nucleotide variant.
Coding change: c.561G>T on transcript NM_000363.5 (MANE Select); coding-DNA position 561, G replaced by T.
Protein change: p.Glu187Asp; replaces glutamic acid 187 with aspartic acid.
Molecular consequence: missense variant.
Genome position (GRCh38, 1-based): chr19:55,151,906, C>A on the plus strand (G>T on the coding strand, the complement: TNNI3 is on the minus strand). VCF-style: chr19-55151906-C-A. GRCh37 (hg19) VCF-style: chr19-55663274-C-A.
Other names: c.561G>T (LRG_432t1); short protein forms E187D.
Identifiers: ClinVar variation 454411 (VCV000454411.10), dbSNP rs773184959, ClinGen allele CA051855.